The following is an entry in ClinVar:

ClinVar aggregate classification (germline): Uncertain significance. Review status: criteria provided, multiple submitters, no conflicts (2 of 4 stars). 7 submissions from 7 submitters: Uncertain significance (7). Last evaluated 2025-09-16.

Conditions:
Familial adenomatous polyposis 2. Also called: FAP type 2; Adenomas, multiple colorectal; MUTYH Polyposis; MYH-associated polyposis; MUTYH-associated polyposis; MUTYH-related attenuated familial adenomatous polyposis. Identifiers: Orphanet 220460, Orphanet 247798, MedGen C3272841, MONDO:0012041, OMIM 608456.
Gastric cancer. Also called: Stomach cancer; Malignant tumor of stomach. Identifiers: MedGen C0024623, MeSH D013274, MONDO:0001056, OMIM 613659, HP:0012126.
Hereditary cancer-predisposing syndrome. Also called: Tumor predisposition; Neoplastic Syndromes, Hereditary; Hereditary Cancer Syndrome; Hereditary neoplastic syndrome. Identifiers: Orphanet 140162, MedGen C0027672, MeSH D009386, MONDO:0015356.

Submissions (7):

Ambry Genetics
Classification: Uncertain significance for Hereditary cancer-predisposing syndrome. Last evaluated: 2025-09-16. Review status: criteria provided, single submitter. Criteria: Ambry Variant Classification Scheme 2023. Collection method: clinical testing. Allele origin: germline.
Comment: The p.V493I variant (also known as c.1477G>A) is located in coding exon 15 of the MUTYH gene. The valine at codon 493 is replaced by isoleucine, an amino acid with highly similar properties. This change occurs in the first base pair of coding exon 15. In a massively parallel cell-based functional assay testing 7,8-dihydro-8-oxoguanine:adenine (8OG:A) repair activity, a byproduct of oxidative damage, this variant was reported to be functional (Hemker SL et al. Am J Hum Genet. 2025 Sep;112(9):2010-2026). This amino acid position is highly conserved in available vertebrate species. In addition, the in silico prediction for this alteration is inconclusive. Based on the available evidence, the clinical significance of this variant remains unclear.

Quest Diagnostics Nichols Institute San Juan Capistrano
Classification: Uncertain significance. Last evaluated: 2024-07-11. Review status: criteria provided, single submitter. Criteria: Quest Diagnostics criteria. Collection method: clinical testing. Allele origin: unknown.
Comment: The MUTYH c.1477G>A (p.Val493Ile) variant has not been reported in individuals with MUTYH-related conditions in the published literature. The frequency of this variant in the general population, 0.0000042 (1/239690 chromosomes (Genome Aggregation Database)), is uninformative in the assessment of its pathogenicity. Analysis of this variant using bioinformatics tools for the prediction of the effect of amino acid changes on protein structure and function yielded predictions that this variant is benign. Based on the available information, we are unable to determine the clinical significance of this variant.

Fulgent Genetics
Classification: Uncertain significance for Familial adenomatous polyposis 2; Gastric cancer. Last evaluated: 2024-05-08. Review status: criteria provided, single submitter. Criteria: ACMG Guidelines, 2015. Collection method: clinical testing. Allele origin: germline.

Labcorp Genetics (formerly Invitae), Labcorp
Classification: Uncertain significance for Familial adenomatous polyposis 2. Last evaluated: 2023-08-11. Review status: criteria provided, single submitter. Criteria: Invitae Variant Classification Sherloc (09022015). Collection method: clinical testing. Allele origin: germline.
Comment: This sequence change replaces valine, which is neutral and non-polar, with isoleucine, which is neutral and non-polar, at codon 493 of the MUTYH protein (p.Val493Ile). The frequency data for this variant in the population databases is considered unreliable, as metrics indicate poor data quality at this position in the gnomAD database. This variant has not been reported in the literature in individuals affected with MUTYH-related conditions. ClinVar contains an entry for this variant (Variation ID: 142092). An algorithm developed to predict the effect of missense changes on protein structure and function (PolyPhen-2) suggests that this variant¬†is likely to be tolerated. In summary, the available evidence is currently insufficient to determine the role of this variant in disease. Therefore, it has been classified as a Variant of Uncertain Significance.

All of Us Research Program, National Institutes of Health
Classification: Uncertain significance for Familial adenomatous polyposis 2. Last evaluated: 2023-06-26. Review status: criteria provided, single submitter. Criteria: ACMG Guidelines, 2015. Collection method: clinical testing. Allele origin: germline. Inheritance: Autosomal recessive inheritance. Observed: 1 variant allele, 1 heterozygote.
Comment: This study involves interpretation of variants in research participants for the purpose of population health screening. Participant phenotype was not available at the time of variant classification. Additional details can be found in publication PMID: 35346344, PMCID: PMC8962531

Color Diagnostics, LLC DBA Color Health
Classification: Uncertain significance for Hereditary cancer-predisposing syndrome. Last evaluated: 2019-03-28. Review status: criteria provided, single submitter. Criteria: ACMG Guidelines, 2015. Collection method: clinical testing. Allele origin: germline.

GeneDx
Classification: Uncertain significance. Last evaluated: 2018-11-27. Review status: criteria provided, single submitter. Criteria: GeneDx Variant Classification (06012015). Collection method: clinical testing. Allele origin: germline. Affected: yes.
Comment: This variant is denoted MUTYH c.1477G>A at the cDNA level, p.Val493Ile (V493I) at the protein level, and results in the change of a Valine to an Isoleucine (GTT>ATT). This variant has not, to our knowledge, been published in the literature as a pathogenic or benign germline variant. MUTYH Val493Ile was not observed in large population cohorts (Lek 2016). This variant is located in the NUDIX domain (Ruggieri 2013). In silico analysis, which includes protein predictors and evolutionary conservation, supports that this variant does not alter protein structure/function. Based on currently available evidence, it is unclear whether MUTYH Val493Ile is a pathogenic or benign variant. We consider it to be a variant of uncertain significance. Of note, MUTYH-Associated Polyposis (MAP) is a recessive condition associated with two MUTYH pathogenic variants on opposite chromosomes.

NM_001048174.2(MUTYH):c.1393G>A (p.Val465Ile)

Gene: MUTYH (mutY DNA glycosylase; minus strand). Cytogenetic location: 1p34.1.
Variant type: single nucleotide variant.
Coding change: c.1393G>A on transcript NM_001048174.2 (MANE Select); coding-DNA position 1393, G replaced by A.
Protein change: p.Val465Ile; replaces valine 465 with isoleucine.
Molecular consequence: missense variant. On other transcripts: non-coding transcript variant (2).
Genome position (GRCh38, 1-based): chr1:45,330,557, C>T on the plus strand (G>A on the coding strand, the complement: MUTYH is on the minus strand). VCF-style: chr1-45330557-C-T. GRCh37 (hg19) VCF-style: chr1-45796229-C-T.
Other names: p.V493I:GTT>ATT; c.1393G>A, p.Val465Ile (NM_001048171.2, NM_001048173.2, NM_001293195.2); c.1396G>A, p.Val466Ile (NM_001048172.2); c.1477G>A, p.Val493Ile (NM_001128425.2); c.1438G>A, p.Val480Ile (NM_001293190.2); c.1426G>A, p.Val476Ile (NM_001293191.2); c.1117G>A, p.Val373Ile (NM_001293192.2, NM_001293196.2); c.1048G>A, p.Val350Ile (NM_001350650.2, NM_001350651.2); and 1 more; short protein forms V493I, V350I, V466I, V480I, V465I, V476I, V490I, V373I.
Identifiers: ClinVar variation 142092 (VCV000142092.17), dbSNP rs587782228, ClinGen allele CA012906.